The following is an entry in ClinVar:

ClinVar aggregate classification (germline): Uncertain significance (1 of 4 stars; one submission).

Conditions:
Hereditary cancer-predisposing syndrome. Also called: Tumor predisposition; Hereditary Cancer Syndrome; Hereditary neoplastic syndrome; Neoplastic Syndromes, Hereditary. Identifiers: Orphanet 140162, MedGen C0027672, MeSH D009386, MONDO:0015356.

Submission:

Ambry Genetics
Classification: Uncertain significance for Hereditary cancer-predisposing syndrome. Last evaluated: 2024-05-24. Review status: criteria provided, single submitter. Criteria: Ambry Variant Classification Scheme 2023. Collection method: clinical testing. Allele origin: germline.
Comment: The p.L97W variant (also known as c.290T>G), located in coding exon 2 of the PDGFRA gene, results from a T to G substitution at nucleotide position 290. The leucine at codon 97 is replaced by tryptophan, an amino acid with similar properties. This amino acid position is conserved. In addition, this alteration is predicted to be tolerated by in silico analysis. Based on the available evidence, the clinical significance of this variant remains unclear.

NM_006206.6(PDGFRA):c.290T>G (p.Leu97Trp)

Gene: PDGFRA (platelet derived growth factor receptor alpha; plus strand). Cytogenetic location: 4q12.
Variant type: single nucleotide variant.
Coding change: c.290T>G on transcript NM_006206.6 (MANE Select); coding-DNA position 290, T replaced by G.
Protein change: p.Leu97Trp; replaces leucine 97 with tryptophan.
Molecular consequence: missense variant.
Genome position (GRCh38, 1-based): chr4:54,261,335, T>G. VCF-style: chr4-54261335-T-G. GRCh37 (hg19) VCF-style: chr4-55127502-T-G.
Other names: c.290T>G, p.Leu97Trp (NM_001347827.2, NM_001347829.2); c.365T>G, p.Leu122Trp (NM_001347828.2); c.329T>G, p.Leu110Trp (NM_001347830.2); short protein forms L122W, L97W, L110W.
Identifiers: ClinVar variation 3305486 (VCV003305486.1).